The following is an entry in ClinVar:

NM_005632.3(CAPN15):c.2206C>T (p.Arg736Ter)

Gene: CAPN15 (calpain 15; plus strand). Cytogenetic location: 16p13.3.
Variant type: single nucleotide variant.
Coding change: c.2206C>T on transcript NM_005632.3 (MANE Select); coding-DNA position 2206, C replaced by T.
Protein change: p.Arg736Ter; replaces arginine 736 with a stop codon.
Molecular consequence: nonsense.
Genome position (GRCh38, 1-based): chr16:551,525, C>T. VCF-style: chr16-551525-C-T. GRCh37 (hg19) VCF-style: chr16-601525-C-T.
Other names: p.R736*; c.2206C>T (NM_005632.2); short protein forms R736*.
Identifiers: ClinVar variation 1810410 (VCV001810410.6), dbSNP rs532420248, ClinGen allele CA7778634.

ClinVar aggregate classification (germline): Conflicting classifications of pathogenicity. Review status: criteria provided, conflicting classifications (1 of 4 stars). 5 submissions from 5 submitters: Likely pathogenic (3); Uncertain significance (1). 1 of the submissions does not count toward it. Last evaluated 2026-01-14.

Conditions:
Oculogastrointestinal-neurodevelopmental syndrome. Identifiers: Orphanet 611201, MedGen C5543355, MONDO:0036189, OMIM 619318.

Allele frequency attached by ClinVar (database versions not stated): ExAC 0.00002; TOPMed 0.00002; gnomAD 0.00001; gnomAD exomes 0.00002; 1000 Genomes Project 30x 0.00016; 1000 Genomes Project 0.00020.
gnomAD v4.1: 33 of 1,610,408 alleles (0.002%); highest among the groups gnomAD compares: Non-Finnish European, 0.0025%; no homozygotes.

Submissions (5):

Variantyx, Inc.
Classification: Likely pathogenic for Oculogastrointestinal-neurodevelopmental syndrome. Last evaluated: 2026-01-14. Review status: criteria provided, single submitter. Criteria: Variantyx Assertion Criteria 2022. Collection method: clinical testing. Allele origin: germline. Inheritance: Autosomal recessive inheritance.
Comment: This is a nonsense variant in the CAPN15 gene (OMIM: 603267). Pathogenic variants in this gene have been associated with autosomal recessive oculogastrointestinal neurodevelopmental syndrome. This variant introduces a premature termination codon in exon 9 out of 14and is expected to result in loss of function, which is a known disease mechanism for CAPN15 in this disorder (PVS1) (PMID:33410501). This variant has a 0.0025% maximum allele frequency in non-founder control populations (PM2). This variant has not been reported in individuals with CAPN15-related disorders in the databases available for review. Based on the current evidence, this variant is classified as likely pathogenic for autosomal recessive oculogastrointestinal neurodevelopmental syndrome.

GeneDx
Classification: Uncertain significance. Last evaluated: 2024-02-09. Review status: criteria provided, single submitter. Criteria: GeneDx Variant Classification Process June 2021. Collection method: clinical testing. Allele origin: germline. Affected: yes.
Comment: Nonsense variant predicted to result in protein truncation or nonsense mediated decay in a gene or region of a gene for which loss of function is not a well-established mechanism of disease; Has not been previously published as pathogenic or benign to our knowledge

Department of Pathology and Laboratory Medicine, Sinai Health System
Classification: Likely pathogenic for oculogastrointestinal-neurodevelopmental syndrome. Last evaluated: 2023-09-21. Review status: criteria provided, single submitter. Criteria: ACMG Guidelines, 2015. Collection method: research. Allele origin: germline.

Baylor Genetics
Classification: Likely pathogenic for Oculogastrointestinal-neurodevelopmental syndrome. Last evaluated: 2022-07-22. Review status: criteria provided, single submitter. Criteria: ACMG Guidelines, 2015. Collection method: clinical testing. Allele origin: unknown.

Undiagnosed Diseases Network, NIH
Classification: Likely pathogenic for Oculogastrointestinal-neurodevelopmental syndrome. Last evaluated: 2022-08-15. Review status: no assertion criteria provided. Collection method: clinical testing. Allele origin: biparental. Affected: yes. Observed: 1 variant allele, 1 homozygote. Study: Undiagnosed Diseases Network (NIH), UDN. Not counted in ClinVar's aggregate classification.

Literature cited by the submitters: PubMed 33410501 (cited by Variantyx, Inc.).